The following is an entry in ClinVar:

ClinVar aggregate classification (germline): Uncertain significance (1 of 4 stars; one submission).

Allele frequency attached by ClinVar (database versions not stated): gnomAD exomes below 0.00001; ExAC 0.00001; gnomAD 0.00001; TOPMed 0.00001.
gnomAD v4.1: 9 of 1,613,988 alleles (0.00056%); highest among the groups gnomAD compares: African/African-American, 0.0013%; no homozygotes.

Submission:

Labcorp Genetics (formerly Invitae), Labcorp
Classification: Uncertain significance. Last evaluated: 2020-03-11. Review status: criteria provided, single submitter. Criteria: Invitae Variant Classification Sherloc (09022015). Collection method: clinical testing. Allele origin: germline.
Comment: This sequence change replaces serine with leucine at codon 622 of the WHRN protein (p.Ser622Leu). The serine residue is moderately conserved and there is a large physicochemical difference between serine and leucine. This variant is present in population databases (rs745460020, ExAC 0.002%). In summary, the available evidence is currently insufficient to determine the role of this variant in disease. Therefore, it has been classified as a Variant of Uncertain Significance. Algorithms developed to predict the effect of missense changes on protein structure and function are either unavailable or do not agree on the potential impact of this missense change (SIFT: "Deleterious"; PolyPhen-2: "Benign"; Align-GVGD: "Class C0"). This variant has not been reported in the literature in individuals with WHRN-related conditions.

NM_015404.4(WHRN):c.1865C>T (p.Ser622Leu)

Gene: WHRN (whirlin; minus strand). Cytogenetic location: 9q32.
Variant type: single nucleotide variant.
Coding change: c.1865C>T on transcript NM_015404.4 (MANE Select); coding-DNA position 1865, C replaced by T.
Protein change: p.Ser622Leu; replaces serine 622 with leucine.
Molecular consequence: missense variant.
Genome position (GRCh38, 1-based): chr9:114,406,726, G>A on the plus strand (C>T on the coding strand, the complement: WHRN is on the minus strand). VCF-style: chr9-114406726-G-A. GRCh37 (hg19) VCF-style: chr9-117169006-G-A.
Other names: c.716C>T, p.Ser239Leu (NM_001083885.3); c.1865C>T, p.Ser622Leu (NM_001173425.2); c.812C>T, p.Ser271Leu (NM_001346890.1); short protein forms S239L, S271L, S622L.
Identifiers: ClinVar variation 1017673 (VCV001017673.8), dbSNP rs745460020, ClinGen allele CA5205797.